The following is an entry in ClinVar:

ClinVar aggregate classification (germline): Uncertain significance (1 of 4 stars; one submission).

Conditions:
Inborn genetic diseases. Identifiers: MedGen C0950123, MeSH D030342.

Submission:

Ambry Genetics
Classification: Uncertain significance for Inborn genetic diseases. Last evaluated: 2021-08-07. Review status: criteria provided, single submitter. Criteria: Ambry Variant Classification Scheme 2023. Collection method: clinical testing. Allele origin: germline.
Comment: The p.Q785R variant (also known as c.2354A>G), located in coding exon 19 of the LRRK2 gene, results from an A to G substitution at nucleotide position 2354. The glutamine at codon 785 is replaced by arginine, an amino acid with highly similar properties. This amino acid position is conserved. In addition, this alteration is predicted to be tolerated by in silico analysis. Since supporting evidence is limited at this time, the clinical significance of this alteration remains unclear.

NM_198578.4(LRRK2):c.2354A>G (p.Gln785Arg)

Gene: LRRK2 (leucine rich repeat kinase 2; plus strand). Cytogenetic location: 12q12.
Variant type: single nucleotide variant.
Coding change: c.2354A>G on transcript NM_198578.4 (MANE Select); coding-DNA position 2354, A replaced by G.
Protein change: p.Gln785Arg; replaces glutamine 785 with arginine.
Molecular consequence: missense variant.
Genome position (GRCh38, 1-based): chr12:40,283,987, A>G. VCF-style: chr12-40283987-A-G. GRCh37 (hg19) VCF-style: chr12-40677789-A-G.
Other names: short protein forms Q785R.
Identifiers: ClinVar variation 1790052 (VCV001790052.2), dbSNP rs1943811481, ClinGen allele CA384406660.